The following is an entry in ClinVar:

NM_003331.5(TYK2):c.3384G>A (p.Leu1128=)

Gene: TYK2 (tyrosine kinase 2; minus strand). Cytogenetic location: 19p13.2.
Variant type: single nucleotide variant.
Coding change: c.3384G>A on transcript NM_003331.5 (MANE Select); coding-DNA position 3384, G replaced by A.
Protein change: p.Leu1128=; no amino-acid change (leucine 1128 retained).
Molecular consequence: synonymous variant. On other transcripts: intron variant (1).
Genome position (GRCh38, 1-based): chr19:10,351,097, C>T on the plus strand (G>A on the coding strand, the complement: TYK2 is on the minus strand). VCF-style: chr19-10351097-C-T. GRCh37 (hg19) VCF-style: chr19-10461773-C-T.
Other names: c.3234G>A, p.Leu1078= (NM_001385198.1); c.3198G>A, p.Leu1066= (NM_001385199.1); c.3381G>A, p.Leu1127= (NM_001385200.1); c.3186G>A, p.Leu1062= (NM_001385201.1); c.3300G>A, p.Leu1100= (NM_001385202.1); c.3465G>A, p.Leu1155= (NM_001385203.1); c.3594G>A, p.Leu1198= (NM_001385204.1); c.3294G>A, p.Leu1098= (NM_001385205.1); and 4 more.
Identifiers: ClinVar variation 1904522 (VCV001904522.5), dbSNP rs2040779612, ClinGen allele CA505370275.

ClinVar aggregate classification (germline): Uncertain significance (1 of 4 stars; one submission).

Conditions:
Immunodeficiency 35 (IMD35). Also called: TYK2 DEFICIENCY; HIES WITH ATYPICAL MYCOBACTERIOSIS, AUTOSOMAL RECESSIVE; HYPER-IgE SYNDROME WITH ATYPICAL MYCOBACTERIOSIS, AUTOSOMAL RECESSIVE; Susceptibility to infection due to TYK2 deficiency. Identifiers: Orphanet 331226, MedGen C1969086, MONDO:0012682, OMIM 611521.

Allele frequency attached by ClinVar (database versions not stated): gnomAD exomes below 0.00001; TOPMed below 0.00001.

Submission:

Labcorp Genetics (formerly Invitae), Labcorp
Classification: Uncertain significance for Immunodeficiency 35. Last evaluated: 2022-04-28. Review status: criteria provided, single submitter. Criteria: Invitae Variant Classification Sherloc (09022015). Collection method: clinical testing. Allele origin: germline.
Comment: Algorithms developed to predict the effect of sequence changes on RNA splicing suggest that this variant may disrupt the consensus splice site. This variant has not been reported in the literature in individuals affected with TYK2-related conditions. This variant is not present in population databases (gnomAD no frequency). This sequence change affects codon 1128 of the TYK2 mRNA. It is a 'silent' change, meaning that it does not change the encoded amino acid sequence of the TYK2 protein. In summary, the available evidence is currently insufficient to determine the role of this variant in disease. Therefore, it has been classified as a Variant of Uncertain Significance.